The following is an entry in ClinVar:

NM_001093.4(ACACB):c.5571+4C>T

Gene: ACACB (acetyl-CoA carboxylase beta; plus strand). Cytogenetic location: 12q24.11.
Variant type: single nucleotide variant.
Coding change: c.5571+4C>T on transcript NM_001093.4 (MANE Select); 4 bases into the intron after coding-DNA position 5571, C replaced by T.
Molecular consequence: intron variant.
Genome position (GRCh38, 1-based): chr12:109,246,452, C>T. VCF-style: chr12-109246452-C-T. GRCh37 (hg19) VCF-style: chr12-109684257-C-T.
Identifiers: ClinVar variation 788438 (VCV000788438.6), dbSNP rs139291802, ClinGen allele CA6774771.
Genomic context (GRCh38, chr12:109,246,452, plus strand): 5'-GAGGAGATCAAACACATGTTCCACGTGGCTTGGGTGGACCCAGAAGACCCCCACAAAGTA[C>T]GTCGTGAAACTGGCGGGGCAGGGTGATTCTGCTCAGCTACTACTGTATTTTCAGTGGGAG-3'

ClinVar aggregate classification (germline): Benign. Review status: criteria provided, single submitter (1 of 4 stars). 2 submissions from 2 submitters: Benign (1). 1 of the submissions does not count toward it. Last evaluated 2019-12-31.

Conditions:
ACACB-related disorder. Also called: ACACB-related condition.

Allele frequency attached by ClinVar (database versions not stated): gnomAD exomes 0.00136; ExAC 0.00144; 1000 Genomes Project 30x 0.00390; 1000 Genomes Project 0.00439; gnomAD 0.00464 and 0.00500; TOPMed 0.00510; ESP Exome Variant Server 0.00515.
gnomAD v4.1: 1,433 of 1,606,428 alleles (0.089%); highest among the groups gnomAD compares: African/African-American, 1.6%; 15 homozygotes.

Submissions (2):

Labcorp Genetics (formerly Invitae), Labcorp
Classification: Benign. Last evaluated: 2019-12-31. Review status: criteria provided, single submitter. Criteria: Invitae Variant Classification Sherloc (09022015). Collection method: clinical testing. Allele origin: germline.

PreventionGenetics, part of Exact Sciences
Classification: Benign for ACACB-related condition. Last evaluated: 2019-06-03. Review status: no assertion criteria provided. Collection method: clinical testing. Allele origin: germline. Not counted in ClinVar's aggregate classification.
Comment: This variant is classified as benign based on ACMG/AMP sequence variant interpretation guidelines (Richards et al. 2015 PMID: 25741868, with internal and published modifications).